The following is an entry in ClinVar:

ClinVar aggregate classification (germline): Uncertain significance (1 of 4 stars; one submission).

Allele frequency attached by ClinVar (database versions not stated): gnomAD exomes below 0.00001.
gnomAD v4.1: 1 of 1,614,100 alleles (0.000062%); highest among the groups gnomAD compares: Non-Finnish European, 0.000085%; no homozygotes.

Submission:

Labcorp Genetics (formerly Invitae), Labcorp
Classification: Uncertain significance. Last evaluated: 2023-12-06. Review status: criteria provided, single submitter. Criteria: Invitae Variant Classification Sherloc (09022015). Collection method: clinical testing. Allele origin: germline.
Comment: This sequence change replaces glutamine, which is neutral and polar, with lysine, which is basic and polar, at codon 57 of the PRPF8 protein (p.Gln57Lys). This variant is present in population databases (no rsID available, gnomAD 0.0009%). This variant has not been reported in the literature in individuals affected with PRPF8-related conditions. ClinVar contains an entry for this variant (Variation ID: 2005821). Advanced modeling of protein sequence and biophysical properties (such as structural, functional, and spatial information, amino acid conservation, physicochemical variation, residue mobility, and thermodynamic stability) performed at Invitae indicates that this missense variant is not expected to disrupt PRPF8 protein function with a negative predictive value of 80%. In summary, the available evidence is currently insufficient to determine the role of this variant in disease. Therefore, it has been classified as a Variant of Uncertain Significance.

NM_006445.4(PRPF8):c.169C>A (p.Gln57Lys)

Gene: PRPF8 (pre-mRNA processing factor 8; minus strand). Cytogenetic location: 17p13.3.
Variant type: single nucleotide variant.
Coding change: c.169C>A on transcript NM_006445.4 (MANE Select); coding-DNA position 169, C replaced by A.
Protein change: p.Gln57Lys; replaces glutamine 57 with lysine.
Molecular consequence: missense variant.
Genome position (GRCh38, 1-based): chr17:1,683,633, G>T on the plus strand (C>A on the coding strand, the complement: PRPF8 is on the minus strand). VCF-style: chr17-1683633-G-T. GRCh37 (hg19) VCF-style: chr17-1586927-G-T.
Other names: short protein forms Q57K.
Identifiers: ClinVar variation 2005821 (VCV002005821.4), dbSNP rs1331221243, ClinGen allele CA397571063.